The following is an entry in ClinVar:

NM_004752.4(GCM2):c.1142C>T (p.Thr381Ile)

Gene: GCM2 (glial cells missing transcription factor 2; minus strand). Cytogenetic location: 6p24.2.
Variant type: single nucleotide variant.
Coding change: c.1142C>T on transcript NM_004752.4 (MANE Select); coding-DNA position 1142, C replaced by T.
Protein change: p.Thr381Ile; replaces threonine 381 with isoleucine.
Molecular consequence: missense variant.
Genome position (GRCh38, 1-based): chr6:10,874,374, G>A on the plus strand (C>T on the coding strand, the complement: GCM2 is on the minus strand). VCF-style: chr6-10874374-G-A. GRCh37 (hg19) VCF-style: chr6-10874607-G-A.
Other names: short protein forms T381I.
Identifiers: ClinVar variation 3765610 (VCV003765610.1).

ClinVar aggregate classification (germline): Uncertain significance (1 of 4 stars; one submission).

Submission:

Greenwood Genetic Center Diagnostic Laboratories, Greenwood Genetic Center
Classification: Uncertain significance. Last evaluated: 2024-08-27. Review status: criteria provided, single submitter. Criteria: ACMG Guidelines, 2015. Collection method: clinical testing. Allele origin: germline. Affected: yes.
Comment: PM2, PP2